The following is an entry in ClinVar:

NM_001001957.2(OR2W3):c.544C>G (p.Pro182Ala)

Gene: OR2W3 (olfactory receptor family 2 subfamily W member 3; plus strand). Cytogenetic location: 1q44.
Variant type: single nucleotide variant.
Coding change: c.544C>G on transcript NM_001001957.2 (MANE Select); coding-DNA position 544, C replaced by G.
Protein change: p.Pro182Ala; replaces proline 182 with alanine.
Molecular consequence: missense variant.
Genome position (GRCh38, 1-based): chr1:247,896,130, C>G. VCF-style: chr1-247896130-C-G. GRCh37 (hg19) VCF-style: chr1-248059432-C-G.
Other names: short protein forms P182A.
Identifiers: ClinVar variation 3618042 (VCV003618042.2).

ClinVar aggregate classification (germline): Uncertain significance (1 of 4 stars; one submission).

Submission:

Labcorp Genetics (formerly Invitae), Labcorp
Classification: Uncertain significance. Last evaluated: 2024-09-10. Review status: criteria provided, single submitter. Criteria: Invitae Variant Classification Sherloc (09022015). Collection method: clinical testing. Allele origin: germline.
Comment: This sequence change replaces proline, which is neutral and non-polar, with alanine, which is neutral and non-polar, at codon 182 of the OR2W3 protein (p.Pro182Ala). This variant is present in population databases (rs778211905, gnomAD 0.009%). This variant has not been reported in the literature in individuals affected with OR2W3-related conditions. An algorithm developed to predict the effect of missense changes on protein structure and function (PolyPhen-2) suggests that this variant is likely to be disruptive. In summary, the available evidence is currently insufficient to determine the role of this variant in disease. Therefore, it has been classified as a Variant of Uncertain Significance.